The following is an entry in ClinVar:

ClinVar aggregate classification (germline): Pathogenic (1 of 4 stars; one submission).

Submission:

ISCA Site 6
Classification: Pathogenic. Last evaluated: 2011-08-12. Review status: criteria provided, single submitter. Criteria: Kaminsky et al. (Genet Med. 2011). Collection method: clinical testing. Allele origin: unknown. Affected: yes. Observed: 1 variant allele.
Comment: Copy number variation identified through the course of routine clinical cytogenomic testing in postnatal populations. Clinical assertions have been curated as described in Kaminsky et al. 2011.

GRCh38/hg38 17q21.31(chr17:45629520-46051878)x1

Genes: CRHR1 (corticotropin releasing hormone receptor 1), KANSL1 (KAT8 regulatory NSL complex subunit 1), LINC02210 (long intergenic non-protein coding RNA 2210), LINC02210-CRHR1 (LINC02210-CRHR1 readthrough), MAPT (microtubule associated protein tau) and 6 more. Cytogenetic location: 17q21.31.
Variant type: copy number loss.
Change: copy number 1 (one copy instead of two) of chr17:45,629,520-46,051,878 (422.4 kb, GRCh38 coordinates, 1-based), cytogenetic band 17q21.31.
Identifiers: ClinVar variation 57528 (VCV000057528.2).